The following is an entry in ClinVar:

NM_201548.5(CERKL):c.1552C>T (p.Leu518Phe)

Genes: CERKL (CERK like autophagy regulator; minus strand), ITGA4 (integrin subunit alpha 4; plus strand). Cytogenetic location: 2q31.3.
Variant type: single nucleotide variant.
Coding change: c.1552C>T on transcript NM_201548.5 (MANE Select); coding-DNA position 1552, C replaced by T.
Protein change: p.Leu518Phe; replaces leucine 518 with phenylalanine.
Molecular consequence: missense variant. On other transcripts: 3 prime UTR variant (1), non-coding transcript variant (2).
Genome position (GRCh38, 1-based): chr2:181,538,231, G>A on the plus strand (C>T on the coding strand, the complement: CERKL is on the minus strand). VCF-style: chr2-181538231-G-A. GRCh37 (hg19) VCF-style: chr2-182402958-G-A.
Other names: c.*2704G>A (NM_000885.6); c.1630C>T, p.Leu544Phe (NM_001030311.3); c.1213C>T, p.Leu405Phe (NM_001030312.3); c.1345C>T, p.Leu449Phe (NM_001030313.3); c.1498C>T, p.Leu500Phe (NM_001160277.2); short protein forms L405F, L500F, L518F, L544F, L449F.
Identifiers: ClinVar variation 1493830 (VCV001493830.6), dbSNP rs2105784397, ClinGen allele CA349732744.
Genomic context (GRCh38, chr2:181,538,231, plus strand): 5'-AAACAATTACATGTTACTTTGGAATCATTTCTTCCATGCTTCCTCCATAAAGACTGATAA[G>A]TCTTGGATGCAATCTGTAAAGAAAATACATTATTTCATCAACTTATTTTGTTGTTTTTCA-3'
Protein context (NP_963842.1, residues 508-528): SEVHIRLHPR[Leu518Phe]ISLYGGSMEE

ClinVar aggregate classification (germline): Uncertain significance (1 of 4 stars; one submission).

Submission:

Labcorp Genetics (formerly Invitae), Labcorp
Classification: Uncertain significance. Last evaluated: 2022-08-10. Review status: criteria provided, single submitter. Criteria: Invitae Variant Classification Sherloc (09022015). Collection method: clinical testing. Allele origin: germline.
Comment: In summary, the available evidence is currently insufficient to determine the role of this variant in disease. Therefore, it has been classified as a Variant of Uncertain Significance. Algorithms developed to predict the effect of missense changes on protein structure and function are either unavailable or do not agree on the potential impact of this missense change (SIFT: "Deleterious"; PolyPhen-2: "Probably Damaging"; Align-GVGD: "Class C0"). ClinVar contains an entry for this variant (Variation ID: 1493830). This variant has not been reported in the literature in individuals affected with CERKL-related conditions. This variant is not present in population databases (gnomAD no frequency). This sequence change replaces leucine, which is neutral and non-polar, with phenylalanine, which is neutral and non-polar, at codon 544 of the CERKL protein (p.Leu544Phe).